The following is an entry in ClinVar:

ClinVar aggregate classification (germline): Uncertain significance (1 of 4 stars; one submission).

Allele frequency attached by ClinVar (database versions not stated): gnomAD exomes below 0.00001; TOPMed below 0.00001.
gnomAD v4.1: 3 of 1,497,932 alleles (0.0002%); highest among the groups gnomAD compares: South Asian, 0.0013%; no homozygotes.

Submission:

Labcorp Genetics (formerly Invitae), Labcorp
Classification: Uncertain significance. Last evaluated: 2022-05-13. Review status: criteria provided, single submitter. Criteria: Invitae Variant Classification Sherloc (09022015). Collection method: clinical testing. Allele origin: germline.
Comment: In summary, the available evidence is currently insufficient to determine the role of this variant in disease. Therefore, it has been classified as a Variant of Uncertain Significance. Algorithms developed to predict the effect of missense changes on protein structure and function are either unavailable or do not agree on the potential impact of this missense change (SIFT: "Deleterious"; PolyPhen-2: "Possibly Damaging"; Align-GVGD: "Class C15"). This variant has not been reported in the literature in individuals affected with ARHGEF18-related conditions. This variant is not present in population databases (gnomAD no frequency). This sequence change replaces glutamic acid, which is acidic and polar, with lysine, which is basic and polar, at codon 972 of the ARHGEF18 protein (p.Glu972Lys).

NM_001367823.1(ARHGEF18):c.3478G>A (p.Glu1160Lys)

Gene: ARHGEF18 (Rho/Rac guanine nucleotide exchange factor 18; plus strand). Cytogenetic location: 19p13.2.
Variant type: single nucleotide variant.
Coding change: c.3478G>A on transcript NM_001367823.1 (MANE Select); coding-DNA position 3478, G replaced by A.
Protein change: p.Glu1160Lys; replaces glutamic acid 1160 with lysine.
Molecular consequence: missense variant.
Genome position (GRCh38, 1-based): chr19:7,467,682, G>A. VCF-style: chr19-7467682-G-A. GRCh37 (hg19) VCF-style: chr19-7532568-G-A.
Other names: c.2752G>A, p.Glu918Lys (NM_001130955.2); c.2440G>A, p.Glu814Lys (NM_001367824.1, NM_015318.4); short protein forms E1160K, E918K, E814K.
Identifiers: ClinVar variation 1902619 (VCV001902619.5), dbSNP rs1446208360, ClinGen allele CA403090288.